The following is an entry in ClinVar:

ClinVar aggregate classification (germline): Likely benign (1 of 4 stars; one submission).

gnomAD v4.1: 2 of 1,553,594 alleles (0.00013%); highest among the groups gnomAD compares: South Asian, 0.0012%; no homozygotes.

Submission:

CeGaT Center for Human Genetics Tuebingen
Classification: Likely benign. Last evaluated: 2025-11-01. Review status: criteria provided, single submitter. Criteria: CeGaT Center For Human Genetics Tuebingen Variant Classification Criteria Version 2. Collection method: clinical testing. Allele origin: germline. Affected: yes. Observed: 1 variant allele.
Comment: TBX2: BP4, BP7

NM_005994.4(TBX2):c.1011G>C (p.Pro337=)

Gene: TBX2 (T-box transcription factor 2; plus strand). Cytogenetic location: 17q23.2.
Variant type: single nucleotide variant.
Coding change: c.1011G>C on transcript NM_005994.4 (MANE Select); coding-DNA position 1011, G replaced by C.
Protein change: p.Pro337=; no amino-acid change (proline 337 retained).
Molecular consequence: synonymous variant.
Genome position (GRCh38, 1-based): chr17:61,404,729, G>C. VCF-style: chr17-61404729-G-C. GRCh37 (hg19) VCF-style: chr17-59482090-G-C.
Identifiers: ClinVar variation 4534293 (VCV004534293.6).